The following is an entry in ClinVar:

NM_201384.3(PLEC):c.10038C>T (p.Ser3346=)

Gene: PLEC (plectin; minus strand). Cytogenetic location: 8q24.3.
Variant type: single nucleotide variant.
Coding change: c.10038C>T on transcript NM_201384.3 (MANE Select); coding-DNA position 10038, C replaced by T.
Protein change: p.Ser3346=; no amino-acid change (serine 3346 retained).
Molecular consequence: synonymous variant.
Genome position (GRCh38, 1-based): chr8:143,919,783, G>A on the plus strand (C>T on the coding strand, the complement: PLEC is on the minus strand). VCF-style: chr8-143919783-G-A. GRCh37 (hg19) VCF-style: chr8-144993951-G-A.
Other names: c.10119C>T (NM_000445.4); c.10119C>T, p.Ser3373= (NM_000445.5); c.9996C>T, p.Ser3332= (NM_201378.4); c.9972C>T, p.Ser3324= (NM_201379.3); c.10449C>T, p.Ser3483= (NM_201380.4); c.9942C>T, p.Ser3314= (NM_201381.3); c.10038C>T, p.Ser3346= (NM_201382.4); c.10050C>T, p.Ser3350= (NM_201383.3).
Identifiers: ClinVar variation 1120647 (VCV001120647.11), dbSNP rs782716986, ClinGen allele CA4924779.

ClinVar aggregate classification (germline): Likely benign. Review status: criteria provided, multiple submitters, no conflicts (2 of 4 stars). 3 submissions from 3 submitters: Likely benign (3). Last evaluated 2026-06-01.

Conditions:
PLEC-related disorder. Also called: PLEC-related disorders; PLEC-related condition.
Epidermolysis bullosa simplex with nail dystrophy (EBS5D). Identifiers: MedGen C4225309, MONDO:0014661, OMIM 616487.
Autosomal recessive limb-girdle muscular dystrophy type 2Q (LGMDR17). Also called: MUSCULAR DYSTROPHY, LIMB-GIRDLE, AUTOSOMAL RECESSIVE 17. Identifiers: Orphanet 254361, MedGen C3150989, MONDO:0013390, OMIM 613723.
Epidermolysis bullosa simplex, Ogna type (EBS5A). Also called: Pidermolysis bullosa simplex 5A, Ogna type; EPIDERMOLYSIS BULLOSA SIMPLEX 5A, OGNA TYPE. Identifiers: Orphanet 79401, MedGen C0432317, MONDO:0007555, OMIM 131950.
Epidermolysis bullosa simplex 5C, with pyloric atresia (EBS5C). Also called: PLEC-Related Epidermolysis Bullosa with Pyloric Atresia; Epidermolysis bullosa simplex with pyloric atresia; PLEC1-Related Epidermolysis Bullosa with Pyloric Atresia. Identifiers: Orphanet 158684, MedGen C2677349, MONDO:0012807, OMIM 612138.
Epidermolysis bullosa simplex 5B, with muscular dystrophy (EBS5B). Also called: EPIDERMOLYSIS BULLOSA SIMPLEX AND LIMB-GIRDLE MUSCULAR DYSTROPHY; Epidermolysis bullosa simplex with muscular dystrophy. Identifiers: Orphanet 257, MedGen C2931072, MONDO:0009181, OMIM 226670.

Allele frequency attached by ClinVar (database versions not stated): ExAC 0.00004; gnomAD exomes 0.00004 and 0.00006; TOPMed 0.00006; gnomAD 0.00007.
gnomAD v4.1: 72 of 1,612,322 alleles (0.0045%); highest among the groups gnomAD compares: Admixed American, 0.015%; no homozygotes.

Submissions (3):

PreventionGenetics, part of Exact Sciences
Classification: Likely benign for PLEC-related condition. Last evaluated: 2026-06-01. Review status: criteria provided, single submitter. Criteria: ACMG Guidelines, 2015. Collection method: clinical testing. Allele origin: germline.
Comment: This variant is classified as likely benign based on ACMG/AMP sequence variant interpretation guidelines (Richards et al. 2015 PMID: 25741868, with internal and published modifications).

Labcorp Genetics (formerly Invitae), Labcorp
Classification: Likely benign for Autosomal recessive limb-girdle muscular dystrophy type 2Q; Epidermolysis bullosa simplex, Ogna type; Epidermolysis bullosa simplex with nail dystrophy; Epidermolysis bullosa simplex 5C, with pyloric atresia; Epidermolysis bullosa simplex 5B, with muscular dystrophy. Last evaluated: 2025-10-08. Review status: criteria provided, single submitter. Criteria: Invitae Variant Classification Sherloc (09022015). Collection method: clinical testing. Allele origin: germline.

Breakthrough Genomics
Classification: Likely benign. Review status: criteria provided, single submitter. Criteria: ACMG Guidelines, 2015. Collection method: not provided. Allele origin: germline. Inheritance: Autosomal recessive inheritance. Affected: yes.